The following is an entry in ClinVar:

ClinVar aggregate classification (germline): Likely benign. Review status: criteria provided, multiple submitters, no conflicts (2 of 4 stars). 3 submissions from 3 submitters: Likely benign (3). Last evaluated 2025-07-01.

Allele frequency attached by ClinVar (database versions not stated): TOPMed 0.00088; ESP Exome Variant Server 0.00055; 1000 Genomes Project 30x 0.00078; 1000 Genomes Project 0.00080.
gnomAD v4.1: 165 of 1,553,280 alleles (0.011%); highest among the groups gnomAD compares: African/African-American, 0.21%; 1 homozygote.

Submissions (3):

CeGaT Center for Human Genetics Tuebingen
Classification: Likely benign. Last evaluated: 2025-07-01. Review status: criteria provided, single submitter. Criteria: CeGaT Center For Human Genetics Tuebingen Variant Classification Criteria Version 2. Collection method: clinical testing. Allele origin: germline. Affected: yes. Observed: 1 variant allele.
Comment: SF3B4: BP4, BP7

Labcorp Genetics (formerly Invitae), Labcorp
Classification: Likely benign. Last evaluated: 2018-11-09. Review status: criteria provided, single submitter. Criteria: Invitae Variant Classification Sherloc (09022015). Collection method: clinical testing. Allele origin: germline.

Breakthrough Genomics
Classification: Likely benign. Review status: criteria provided, single submitter. Criteria: ACMG Guidelines, 2015. Collection method: not provided. Allele origin: germline. Inheritance: Autosomal dominant inheritance. Affected: yes.

NM_005850.5(SF3B4):c.9C>G (p.Ala3=)

Genes: SF3B4 (splicing factor 3b subunit 4; minus strand), LOC129931382 (ATAC-STARR-seq lymphoblastoid active region 1665; plus strand). Cytogenetic location: 1q21.2.
Variant type: single nucleotide variant.
Coding change: c.9C>G on transcript NM_005850.5 (MANE Select); coding-DNA position 9, C replaced by G.
Protein change: p.Ala3=; no amino-acid change (alanine 3 retained).
Molecular consequence: synonymous variant.
Genome position (GRCh38, 1-based): chr1:149,927,751, G>C on the plus strand (C>G on the coding strand, the complement: SF3B4 is on the minus strand). VCF-style: chr1-149927751-G-C. GRCh37 (hg19) VCF-style: chr1-149899643-G-C.
Identifiers: ClinVar variation 732633 (VCV000732633.12), dbSNP rs150625746, ClinGen allele CA1071594.